The following is an entry in ClinVar:

ClinVar aggregate classification (germline): other (0 of 4 stars; one submission).

Conditions:
Familial colorectal cancer. Identifiers: MedGen CN280943, MONDO:0023113. Disease mechanism: loss of function.

Submission:

Systems Biology Platform Zhejiang California International NanoSystems Institute
Classification: other for Familial colorectal cancer. Review status: no assertion criteria provided. Collection method: not provided. Allele origin: unknown.
ClinVar note: Converted during submission from cancer to other.

NM_000038.6(APC):c.423-3166C>A

Gene: APC (APC regulator of WNT signaling pathway; plus strand). Cytogenetic location: 5q22.2.
Variant type: single nucleotide variant.
Coding change: c.423-3166C>A on transcript NM_000038.6 (MANE Select); 3166 bases into the intron before coding-DNA position 423, C replaced by A.
Molecular consequence: intron variant.
Genome position (GRCh38, 1-based): chr5:112,772,463, C>A. VCF-style: chr5-112772463-C-A. GRCh37 (hg19) VCF-style: chr5-112108160-C-A.
Other names: c.423-3166C>A (NM_001354895.2, NM_001127510.3, NM_001354896.2 and 2 more transcripts); c.453-3166C>A (NM_001354897.2, NM_001354902.2, NM_001127511.3); c.348-3166C>A (NM_001354898.2, NM_001354904.2); c.-613-3166C>A (NM_001354906.2); c.246-3166C>A (NM_001354900.2, NM_001354901.2, NM_001354905.2).
Identifiers: ClinVar variation 82892 (VCV000082892.2), dbSNP rs77023098, ClinGen allele CA009267.